The following is an entry in ClinVar:

NM_001367916.1(MAGT1):c.958A>G (p.Ile320Val)

Gene: MAGT1 (magnesium transporter 1; minus strand). Cytogenetic location: Xq21.1.
Variant type: single nucleotide variant.
Coding change: c.958A>G on transcript NM_001367916.1 (MANE Select); coding-DNA position 958, A replaced by G.
Protein change: p.Ile320Val; replaces isoleucine 320 with valine.
Molecular consequence: missense variant.
Genome position (GRCh38, 1-based): chrX:77,830,839, T>C on the plus strand (A>G on the coding strand, the complement: MAGT1 is on the minus strand). VCF-style: chrX-77830839-T-C. GRCh37 (hg19) VCF-style: chrX-77086336-T-C.
Other names: c.1054A>G, p.Ile352Val (NM_032121.5); short protein forms I320V, I352V.
Identifiers: ClinVar variation 956187 (VCV000956187.1), dbSNP rs2076895484, ClinGen allele CA413709914.

ClinVar aggregate classification (germline): Uncertain significance (1 of 4 stars; one submission).

Conditions:
X-linked immunodeficiency with magnesium defect, Epstein-Barr virus infection and neoplasia. Identifiers: Orphanet 317476, MedGen C3275445, MONDO:0010455, OMIM 300853.

Submission:

Labcorp Genetics (formerly Invitae), Labcorp
Classification: Uncertain significance for Immunodeficiency, X-Linked, with magnesium defect, Epstein-Barr virus infection, and neoplasia. Last evaluated: 2019-09-21. Review status: criteria provided, single submitter. Criteria: Invitae Variant Classification Sherloc (09022015). Collection method: clinical testing. Allele origin: germline.
Comment: This sequence change replaces isoleucine with valine at codon 352 of the MAGT1 protein (p.Ile352Val). The isoleucine residue is weakly conserved and there is a small physicochemical difference between isoleucine and valine. This variant is not present in population databases (ExAC no frequency). This variant has not been reported in the literature in individuals with MAGT1-related conditions. Algorithms developed to predict the effect of missense changes on protein structure and function output the following: SIFT: "Tolerated"; PolyPhen-2: "Benign"; Align-GVGD: "Class C0". The valine amino acid residue is found in multiple mammalian species, suggesting that this missense change does not adversely affect protein function. These predictions have not been confirmed by published functional studies and their clinical significance is uncertain. In summary, the available evidence is currently insufficient to determine the role of this variant in disease. Therefore, it has been classified as a Variant of Uncertain Significance.